The following is an entry in ClinVar:

ClinVar aggregate classification (germline): Uncertain significance (1 of 4 stars; one submission).

Conditions:
Hereditary cancer-predisposing syndrome. Also called: Neoplastic Syndromes, Hereditary; Tumor predisposition; Hereditary neoplastic syndrome; Hereditary Cancer Syndrome. Identifiers: Orphanet 140162, MedGen C0027672, MeSH D009386, MONDO:0015356.

gnomAD v4.1: 2 of 1,611,918 alleles (0.00012%); highest among the groups gnomAD compares: Admixed American, 0.0033%; no homozygotes.

Submission:

Ambry Genetics
Classification: Uncertain significance for Hereditary cancer-predisposing syndrome. Last evaluated: 2026-07-06. Review status: criteria provided, single submitter. Criteria: Ambry Variant Classification Scheme 2023. Collection method: clinical testing. Allele origin: germline.
Comment: The p.H131Y variant (also known as c.391C>T), located in coding exon 5 of the SDHC gene, results from a C to T substitution at nucleotide position 391. The histidine at codon 131 is replaced by tyrosine, an amino acid with similar properties. This amino acid position is conserved. In addition, the in silico prediction for this alteration is inconclusive. Based on the available evidence, the clinical significance of this variant remains unclear.

NM_003001.5(SDHC):c.*45C>T

Gene: SDHC (succinate dehydrogenase complex subunit C; plus strand). Cytogenetic location: 1q23.3.
Variant type: single nucleotide variant.
Coding change: c.*45C>T on transcript NM_003001.5 (MANE Select); 45 bases downstream of the stop codon, C replaced by T.
Molecular consequence: 3 prime UTR variant. On other transcripts: missense variant (3), non-coding transcript variant (1).
Genome position (GRCh38, 1-based): chr1:161,362,478, C>T. VCF-style: chr1-161362478-C-T. GRCh37 (hg19) VCF-style: chr1-161332268-C-T.
Other names: c.391C>T, p.His131Tyr (NM_001035511.3); c.*45C>T (NM_001035512.3, NM_001035513.3, NM_001407115.1 and 5 more transcripts); c.289C>T, p.His97Tyr (NM_001278172.3); c.334C>T, p.His112Tyr (NM_001407121.1); short protein forms H131Y, H97Y, H112Y.
Identifiers: ClinVar variation 5029345 (VCV005029345.1).